The following is an entry in ClinVar:

NM_020745.4(AARS2):c.2008-9C>A

Gene: AARS2 (alanyl-tRNA synthetase 2, mitochondrial; minus strand). Cytogenetic location: 6p21.1.
Variant type: single nucleotide variant.
Coding change: c.2008-9C>A on transcript NM_020745.4 (MANE Select); 9 bases into the intron before coding-DNA position 2008, C replaced by A.
Molecular consequence: intron variant.
Genome position (GRCh38, 1-based): chr6:44,303,432, G>T on the plus strand (C>A on the coding strand, the complement: AARS2 is on the minus strand). VCF-style: chr6-44303432-G-T. GRCh37 (hg19) VCF-style: chr6-44271169-G-T.
Identifiers: ClinVar variation 1929502 (VCV001929502.7), dbSNP rs566987521, ClinGen allele CA138386187.

ClinVar aggregate classification (germline): Likely benign. Review status: criteria provided, single submitter (1 of 4 stars). 2 submissions from 2 submitters: Likely benign (1). 1 of the submissions does not count toward it. Last evaluated 2022-06-08.

Conditions:
AARS2-related disorder. Also called: AARS2-related disorders; AARS2-related condition. Identifiers: MedGen CN381518, MONDO:1060240.

gnomAD v4.1: 14 of 1,613,812 alleles (0.00087%); highest among the groups gnomAD compares: South Asian, 0.012%; no homozygotes.

Submissions (2):

Labcorp Genetics (formerly Invitae), Labcorp
Classification: Likely benign. Last evaluated: 2022-06-08. Review status: criteria provided, single submitter. Criteria: Invitae Variant Classification Sherloc (09022015). Collection method: clinical testing. Allele origin: germline.

PreventionGenetics, part of Exact Sciences
Classification: Likely benign for AARS2-related condition. Last evaluated: 2022-09-20. Review status: no assertion criteria provided. Collection method: clinical testing. Allele origin: germline. Not counted in ClinVar's aggregate classification.
Comment: This variant is classified as likely benign based on ACMG/AMP sequence variant interpretation guidelines (Richards et al. 2015 PMID: 25741868, with internal and published modifications).